The following is an entry in ClinVar:

ClinVar aggregate classification (germline): Uncertain significance. Review status: criteria provided, multiple submitters, no conflicts (2 of 4 stars). 2 submissions from 2 submitters: Uncertain significance (2). Last evaluated 2025-02-04.

gnomAD v4.1: 107 of 1,552,182 alleles (0.0069%); highest among the groups gnomAD compares: Non-Finnish European, 0.0079%; no homozygotes.

Submissions (2):

Labcorp Genetics (formerly Invitae), Labcorp
Classification: Uncertain significance. Last evaluated: 2025-02-04. Review status: criteria provided, single submitter. Criteria: Invitae Variant Classification Sherloc (09022015). Collection method: clinical testing. Allele origin: germline.
Comment: This sequence change replaces serine, which is neutral and polar, with proline, which is neutral and non-polar, at codon 488 of the WDR87 protein (p.Ser488Pro). This variant is present in population databases (rs201485092, gnomAD 0.005%). This variant has not been reported in the literature in individuals affected with WDR87-related conditions. An algorithm developed to predict the effect of missense changes on protein structure and function (PolyPhen-2) suggests that this variant is likely to be disruptive. In summary, the available evidence is currently insufficient to determine the role of this variant in disease. Therefore, it has been classified as a Variant of Uncertain Significance.

Ambry Genetics
Classification: Uncertain significance. Last evaluated: 2025-01-31. Review status: criteria provided, single submitter. Criteria: Ambry Variant Classification Scheme 2023. Collection method: clinical testing. Allele origin: germline.

NM_001291088.2(WDR87):c.1579T>C (p.Ser527Pro)

Gene: WDR87 (WD repeat domain 87; minus strand). Cytogenetic location: 19q13.13.
Variant type: single nucleotide variant.
Coding change: c.1579T>C on transcript NM_001291088.2 (MANE Select); coding-DNA position 1579, T replaced by C.
Protein change: p.Ser527Pro; replaces serine 527 with proline.
Molecular consequence: missense variant.
Genome position (GRCh38, 1-based): chr19:37,894,124, A>G on the plus strand (T>C on the coding strand, the complement: WDR87 is on the minus strand). VCF-style: chr19-37894124-A-G. GRCh37 (hg19) VCF-style: chr19-38384764-A-G.
Other names: c.1462T>C, p.Ser488Pro (NM_031951.5); short protein forms S488P, S527P.
Identifiers: ClinVar variation 3816221 (VCV003816221.2).
Genomic context (GRCh38, chr19:37,894,124, plus strand): 5'-GTACTTTGACCCCATCAAGCACAGCTTCTGACAGGTGCACATAGTCATCCATTCCATAGG[A>G]ACAGAGCAGAGAGTTTCCTTGGCCACCAAAAATCCCTCCAGACAGCGTGGAGAGTGCCAG-3'
Protein context (NP_001278017.1, residues 517-537): FGGQGNSLLC[Ser527Pro]YGMDDYVHLS